The following is an entry in ClinVar:

ClinVar aggregate classification (germline): Uncertain significance. Review status: criteria provided, multiple submitters, no conflicts (2 of 4 stars). 2 submissions from 2 submitters: Uncertain significance (2). Last evaluated 2025-06-17.

Conditions:
Neuronal ceroid lipofuscinosis. Also called: Neuronal Ceroid Lipofuscinoses. Identifiers: Orphanet 216, Orphanet 79263, MedGen C0027877, MONDO:0016295. Disease mechanism: loss of function.

Submissions (2):

Women's Health and Genetics/Laboratory Corporation of America, LabCorp
Classification: Uncertain significance. Last evaluated: 2025-06-17. Review status: criteria provided, single submitter. Criteria: LabCorp Variant Classification Summary - May 2015. Collection method: clinical testing. Allele origin: germline.
Comment: Variant summary: CLN3 c.790G>T (p.Gly264Cys) results in a non-conservative amino acid change in the encoded protein sequence. Algorithms developed to predict the effect of missense changes on protein structure and function are either unavailable or do not agree on the potential impact of this missense change. Several computational tools predict a significant impact on normal splicing: Three predict the variant weakens the canonical 5' donor site. One predict the variant abolishes the canonical 5' splicing donor site. However, these predictions have yet to be confirmed by functional studies. The variant was absent in 234994 control chromosomes. The available data on variant occurrences in the general population are insufficient to allow any conclusion about variant significance. To our knowledge, no occurrence of c.790G>T in individuals affected with Neuronal Ceroid-Lipofuscinosis (Batten Disease) and no experimental evidence demonstrating its impact on protein function have been reported. ClinVar contains an entry for this variant (Variation ID: 1042248). Based on the evidence outlined above, the variant was classified as uncertain significance.

Labcorp Genetics (formerly Invitae), Labcorp
Classification: Uncertain significance for Neuronal ceroid lipofuscinosis. Last evaluated: 2024-10-21. Review status: criteria provided, single submitter. Criteria: Invitae Variant Classification Sherloc (09022015). Collection method: clinical testing. Allele origin: germline.
Comment: This sequence change replaces glycine, which is neutral and non-polar, with cysteine, which is neutral and slightly polar, at codon 264 of the CLN3 protein (p.Gly264Cys). This variant also falls at the last nucleotide of exon 10, which is part of the consensus splice site for this exon. This variant is not present in population databases (gnomAD no frequency). This variant has not been reported in the literature in individuals affected with CLN3-related conditions. ClinVar contains an entry for this variant (Variation ID: 1042248). Invitae Evidence Modeling of protein sequence and biophysical properties (such as structural, functional, and spatial information, amino acid conservation, physicochemical variation, residue mobility, and thermodynamic stability) has been performed for this missense variant. However, the output from this modeling did not meet the statistical confidence thresholds required to predict the impact of this variant on CLN3 protein function. Variants that disrupt the consensus splice site are a relatively common cause of aberrant splicing (PMID: 17576681, 9536098). Algorithms developed to predict the effect of sequence changes on RNA splicing suggest that this variant may disrupt the consensus splice site. In summary, the available evidence is currently insufficient to determine the role of this variant in disease. Therefore, it has been classified as a Variant of Uncertain Significance.

Literature cited by the submitters: PubMed 17576681 (cited by Labcorp Genetics (formerly Invitae), Labcorp); PubMed 9536098 (cited by Labcorp Genetics (formerly Invitae), Labcorp).

NM_001042432.2(CLN3):c.790G>T (p.Gly264Cys)

Gene: CLN3 (CLN3 lysosomal/endosomal transmembrane protein, battenin; minus strand). Cytogenetic location: 16p12.1.
Variant type: single nucleotide variant.
Coding change: c.790G>T on transcript NM_001042432.2 (MANE Select); coding-DNA position 790, G replaced by T.
Protein change: p.Gly264Cys; replaces glycine 264 with cysteine.
Molecular consequence: missense variant.
Genome position (GRCh38, 1-based): chr16:28,484,006, C>A on the plus strand (G>T on the coding strand, the complement: CLN3 is on the minus strand). VCF-style: chr16-28484006-C-A. GRCh37 (hg19) VCF-style: chr16-28495327-C-A.
Other names: c.790G>T, p.Gly264Cys (NM_000086.2); c.718G>T, p.Gly240Cys (NM_001286104.2); c.490G>T, p.Gly164Cys (NM_001286105.2); c.556G>T, p.Gly186Cys (NM_001286109.2); c.628G>T, p.Gly210Cys (NM_001286110.2); short protein forms G164C, G186C, G264C, G210C, G240C.
Identifiers: ClinVar variation 1042248 (VCV001042248.8), dbSNP rs2046156366, ClinGen allele CA395344688.